The following is an entry in ClinVar:

ClinVar aggregate classification (germline): Uncertain significance (1 of 4 stars; one submission).

Submission:

Women's Health and Genetics/Laboratory Corporation of America, LabCorp
Classification: Uncertain significance. Last evaluated: 2025-05-07. Review status: criteria provided, single submitter. Criteria: LabCorp Variant Classification Summary - May 2015. Collection method: clinical testing. Allele origin: germline.
Comment: Variant summary: The variant involves the duplication of exons 16-27 in the CFTR gene. A presumed nomenclature of c.(2619+1_2620-1)_(*1558_?)dup has been designated for the purposes of this classification. The exact breakpoint at the 3' end of this variant is unknown, therefore this duplication may extend downstream of the annotated region of the gene. As it duplicates the termination codon, its effect on the encoded protein is unknown. The variant was absent in 21694 control chromosomes. The available data on variant occurrences in the general population are insufficient to allow any conclusion about variant significance. To our knowledge, no occurrence of c.(2619+1_2620-1)_(*1558_?)dup in individuals affected with Cystic Fibrosis and no experimental evidence demonstrating its impact on protein function have been reported. No submitters have cited clinical-significance assessments for this variant to ClinVar. Based on the evidence outlined above, the variant was classified as uncertain significance.

NC_000007.13:g.(117235113_117242879)_(117308720_?)dup

Gene: CFTR (CF transmembrane conductance regulator; plus strand). Cytogenetic location: 7q31.2.
Variant type: Duplication.
Identifiers: ClinVar variation 3902435 (VCV003902435.1).